The following is an entry in ClinVar:

NM_000017.4(ACADS):c.596C>T (p.Ala199Val)

Gene: ACADS (acyl-CoA dehydrogenase short chain; plus strand). Cytogenetic location: 12q24.31.
Variant type: single nucleotide variant.
Coding change: c.596C>T on transcript NM_000017.4 (MANE Select); coding-DNA position 596, C replaced by T.
Protein change: p.Ala199Val; replaces alanine 199 with valine.
Molecular consequence: missense variant. On other transcripts: intron variant (1).
Genome position (GRCh38, 1-based): chr12:120,737,960, C>T. VCF-style: chr12-120737960-C-T. GRCh37 (hg19) VCF-style: chr12-121175763-C-T.
Other names: c.473-89C>T (NM_001302554.2); short protein forms A199V.
Identifiers: ClinVar variation 623120 (VCV000623120.43), dbSNP rs766579880, ClinGen allele CA6830940.
Genomic context (GRCh38, chr12:120,737,960, plus strand): 5'-TGAATGGAACCAAAGCCTGGATCACCAATGCCTGGGAGGCTTCGGCTGCCGTGGTCTTTG[C>T]CAGCACGGACAGAGCCCTGCAAAACAAGGTGGGCCCACCCAGAGAGGGGTTCAGCCGGAT-3'
Protein context (NP_000008.1, residues 189-209): AWEASAAVVF[Ala199Val]STDRALQNKG

ClinVar aggregate classification (germline): Pathogenic/Likely pathogenic. Review status: criteria provided, multiple submitters, no conflicts (2 of 4 stars). 10 submissions from 10 submitters: Pathogenic (1); Likely pathogenic (9). Last evaluated 2026-01-27.

Conditions:
Deficiency of butyryl-CoA dehydrogenase (ACADSD). Also called: SCAD Deficiency; SCADH DEFICIENCY; ACYL-CoA DEHYDROGENASE, SHORT-CHAIN, DEFICIENCY OF; SCAD DEFICIENCY, MILD; ACADS DEFICIENCY; Short-Chain Acyl-CoA Dehydrogenase Deficiency. Identifiers: Orphanet 26792, MedGen C0342783, MONDO:0008722, OMIM 201470. Disease mechanism: May be benign.
ACADS-related disorder. Also called: ACADS-related condition.

Allele frequency attached by ClinVar (database versions not stated): gnomAD 0.00001 and 0.00003; ExAC 0.00003; gnomAD exomes 0.00003; TOPMed 0.00004.
gnomAD v4.1: 50 of 1,613,960 alleles (0.0031%); highest among the groups gnomAD compares: Middle Eastern, 0.049%; no homozygotes.

Submissions (10):

PreventionGenetics, part of Exact Sciences
Classification: Likely pathogenic for ACADS-related condition. Last evaluated: 2026-01-27. Review status: criteria provided, single submitter. Criteria: ACMG Guidelines, 2015. Collection method: clinical testing. Allele origin: germline.
Comment: The ACADS c.596C>T variant is predicted to result in the amino acid substitution p.Ala199Val. This variant has been reported in multiple individuals with short chain acyl-coA dehydrogenase (SCAD) deficiency (Pedersen et al. 2008. PubMed ID: 18523805; Long et al. 2017. PubMed ID: 28263315). In experimental studies, the p.Ala199Val variant was shown to lead to defective tetramer formation and increased protein aggregation (Pedersen et al. 2008. PubMed ID: 18523805). This variant is reported in 0.0058% of alleles in individuals of Latino descent in gnomAD. This variant is interpreted as likely pathogenic.

Labcorp Genetics (formerly Invitae), Labcorp
Classification: Likely pathogenic for Deficiency of butyryl-CoA dehydrogenase. Last evaluated: 2025-11-18. Review status: criteria provided, single submitter. Criteria: Invitae Variant Classification Sherloc (09022015). Collection method: clinical testing. Allele origin: germline.
Comment: This sequence change replaces alanine, which is neutral and non-polar, with valine, which is neutral and non-polar, at codon 199 of the ACADS protein (p.Ala199Val). This variant is present in population databases (rs766579880, gnomAD 0.006%). This missense change has been observed in individuals with clinical features of short-chain acyl-coenzyme A dehydrogenase deficiency (PMID: 18523805, 28263315; internal data). ClinVar contains an entry for this variant (Variation ID: 623120). Invitae Evidence Modeling of protein sequence and biophysical properties (such as structural, functional, and spatial information, amino acid conservation, physicochemical variation, residue mobility, and thermodynamic stability) indicates that this missense variant is expected to disrupt ACADS protein function with a positive predictive value of 95%. In summary, the currently available evidence indicates that the variant is pathogenic, but additional data are needed to prove that conclusively. Therefore, this variant has been classified as Likely Pathogenic.

Women's Health and Genetics/Laboratory Corporation of America, LabCorp
Classification: Likely pathogenic for Deficiency of butyryl-CoA dehydrogenase. Last evaluated: 2025-05-28. Review status: criteria provided, single submitter. Criteria: LabCorp Variant Classification Summary - May 2015. Collection method: clinical testing. Allele origin: germline.
Comment: Variant summary: ACADS c.596C>T (p.Ala199Val) results in a non-conservative amino acid change in the encoded protein sequence. Algorithms developed to predict the effect of missense changes on protein structure and function all suggest that this variant is likely to be disruptive. The variant allele was found at a frequency of 3.2e-05 in 251238 control chromosomes. c.596C>T has been observed in individual(s) affected with Deficiency Of Butyryl-CoA Dehydrogenase (Pedersen_2008, internal_testing). At least one publication reports experimental evidence evaluating an impact on protein function and loses ability to form tetramers and increases protein aggregation. The following publications have been ascertained in the context of this evaluation (PMID: 28263315, 18523805). ClinVar contains an entry for this variant (Variation ID: 623120). Based on the evidence outlined above, the variant was classified as likely pathogenic.

Fulgent Genetics
Classification: Likely pathogenic for Deficiency of butyryl-CoA dehydrogenase. Last evaluated: 2024-06-17. Review status: criteria provided, single submitter. Criteria: ACMG Guidelines, 2015. Collection method: clinical testing. Allele origin: germline.

CeGaT Center for Human Genetics Tuebingen
Classification: Likely pathogenic. Last evaluated: 2023-12-01. Review status: criteria provided, single submitter. Criteria: CeGaT Center For Human Genetics Tuebingen Variant Classification Criteria Version 2. Collection method: clinical testing. Allele origin: germline. Affected: yes. Observed: 1 variant allele.
Comment: ACADS: PM2, PM3, PP4, PS3:Supporting

Clinical Genetics Laboratory, Skane University Hospital Lund
Classification: Likely pathogenic. Last evaluated: 2022-05-27. Review status: criteria provided, single submitter. Criteria: ACMG Guidelines, 2015. Collection method: clinical testing. Allele origin: germline. Affected: yes.

Genome-Nilou Lab
Classification: Likely pathogenic for Deficiency of butyryl-CoA dehydrogenase. Last evaluated: 2021-11-07. Review status: criteria provided, single submitter. Criteria: ACMG Guidelines, 2015. Collection method: clinical testing. Allele origin: germline. Affected: no.

GeneDx
Classification: Likely pathogenic. Last evaluated: 2020-07-13. Review status: criteria provided, single submitter. Criteria: GeneDx Variant Classification Process June 2021. Collection method: clinical testing. Allele origin: germline. Affected: yes.
Comment: Reported in association with SCAD deficiency in individuals with failure to thrive, feeding difficulties and hypotonia who were compound heterozygous for the G209S variant (Pedersen et al., 2008); In vitro functional studies demonstrated A199V had a damaging effect on SCAD protein. Functional studies with complex allele including A199V and G209S caused a severe effect (Pedersen et al., 2008); Not observed at a significant frequency in large population cohorts (Lek et al., 2016); In silico analysis supports that this missense variant has a deleterious effect on protein structure/function; This variant is associated with the following publications: (PMID: 31980526, 28263315, 18523805)

Molecular Diagnostics Laboratory, M Health Fairview: University of Minnesota
Classification: Likely pathogenic for Deficiency of butyryl-CoA dehydrogenase. Last evaluated: 2017-12-15. Review status: criteria provided, single submitter. Criteria: ACMG Guidelines, 2015. Collection method: clinical testing. Allele origin: germline. Affected: yes. Observed: 1 variant allele.

Kariminejad - Najmabadi Pathology & Genetics Center
Classification: Pathogenic for Deficiency of butyryl-CoA dehydrogenase. Review status: criteria provided, single submitter. Criteria: ACMG Guidelines, 2015. Collection method: clinical testing. Allele origin: germline. Affected: no.

Literature cited by the submitters: PubMed 18523805 (cited by Labcorp Genetics (formerly Invitae), Labcorp and Women's Health and Genetics/Laboratory Corporation of America, LabCorp); PubMed 28263315 (cited by Labcorp Genetics (formerly Invitae), Labcorp and Women's Health and Genetics/Laboratory Corporation of America, LabCorp); PubMed 185223805 (cited by Molecular Diagnostics Laboratory, M Health Fairview: University of Minnesota).